The following is an entry in ClinVar:

NM_007294.4(BRCA1):c.2477C>A (p.Thr826Lys)

Gene: BRCA1 (BRCA1 DNA repair associated; minus strand). Cytogenetic location: 17q21.31.
Variant type: single nucleotide variant.
Coding change: c.2477C>A on transcript NM_007294.4 (MANE Select); coding-DNA position 2477, C replaced by A.
Protein change: p.Thr826Lys; replaces threonine 826 with lysine.
Molecular consequence: missense variant. On other transcripts: intron variant (137).
Genome position (GRCh38, 1-based): chr17:43,093,054, G>T on the plus strand (C>A on the coding strand, the complement: BRCA1 is on the minus strand). VCF-style: chr17-43093054-G-T. GRCh37 (hg19) VCF-style: chr17-41245071-G-T.
Other names: p.T826K:ACA>AAA; 2596C>A; NP_009225.1:p.Thr826Lys; c.2264C>A, p.Thr755Lys (NM_001407571.1, NM_001407853.1, NM_001407895.1 and 9 more transcripts); c.2477C>A, p.Thr826Lys (NM_001407581.1, NM_001407582.1, NM_001407583.1 and 30 more transcripts); c.2474C>A, p.Thr825Lys (NM_001407587.1, NM_001407590.1, NM_001407591.1 and 22 more transcripts); c.2468C>A, p.Thr823Lys (NM_001407646.1, NM_001407647.1); c.2354C>A, p.Thr785Lys (NM_001407648.1, NM_001407665.1, NM_001407666.1 and 19 more transcripts); and 44 more; short protein forms T826K, T779K, T738K, T755K, T784K, T800K, T530K, T715K.
Identifiers: ClinVar variation 37473 (VCV000037473.96), dbSNP rs28897683, ClinGen allele CA001650.

ClinVar aggregate classification (germline): Benign. Review status: reviewed by expert panel (3 of 4 stars). 34 submissions from 34 submitters: Benign (1). 33 of the submissions do not count toward it. Last evaluated 2015-08-10.

Conditions:
BRCA1-related disorder. Also called: BRCA1-related condition.
BRCA1-related cancer predisposition. Identifiers: MedGen CN377757, MONDO:0700268.
Breast and/or ovarian cancer. Identifiers: MedGen CN221562.
Hereditary cancer-predisposing syndrome. Also called: Neoplastic Syndromes, Hereditary; Tumor predisposition; Hereditary Cancer Syndrome; Hereditary neoplastic syndrome. Identifiers: Orphanet 140162, MedGen C0027672, MeSH D009386, MONDO:0015356.
Breast neoplasm. Also called: Neoplasm of breast; Breast tumor; Breast Neoplasms; Neoplasm of the breast. Identifiers: MedGen C1458155, MeSH D001943, MONDO:0021100, HP:0100013. Disease mechanism: gain of function.
Hereditary breast ovarian cancer syndrome. Also called: Hereditary breast and ovarian cancer; Breast and ovarian cancer; Hereditary breast and/or ovarian cancer syndrome; Hereditary breast and ovarian cancer syndrome (HBOC); Hereditary breast and ovarian cancer syndrome; BRCA1- and BRCA2-Associated Hereditary Breast and Ovarian Cancer. Identifiers: Orphanet 145, MedGen C0677776, MeSH D061325, MONDO:0003582. Disease mechanism: loss of function.
Breast-ovarian cancer, familial, susceptibility to, 1 (BROVCA1). Also called: OVARIAN CANCER, SUSCEPTIBILITY TO; BRCA1 Hereditary Breast and Ovarian Cancer. Identifiers: Orphanet 145, MedGen C2676676, MONDO:0011450, OMIM 604370. Disease mechanism: loss of function.

Allele frequency attached by ClinVar (database versions not stated): 1000 Genomes Project 30x 0.00016; TOPMed 0.00017; ExAC 0.00018; gnomAD exomes 0.00018 and 0.00035; 1000 Genomes Project 0.00020; gnomAD 0.00021; ESP Exome Variant Server 0.00023.
gnomAD v4.1: 550 of 1,613,812 alleles (0.034%); highest among the groups gnomAD compares: Middle Eastern, 0.049%; 1 homozygote.

Submissions 1 to 17 of 34:

Evidence-based Network for the Interpretation of Germline Mutant Alleles (ENIGMA)
Classification: Benign for Breast-ovarian cancer, familial 1. Last evaluated: 2015-08-10. Review status: reviewed by expert panel. Criteria: ENIGMA BRCA1/2 Classification Criteria (2015). Collection method: curation. Allele origin: germline.
Comment: IARC class based on posterior probability from multifactorial likelihood analysis, thresholds for class as per Plon et al. 2008 (PMID: 18951446). Class 1 based on posterior probability = 0.00000000203

CeGaT Center for Human Genetics Tuebingen
Classification: Likely benign. Last evaluated: 2026-05-01. Review status: criteria provided, single submitter. Criteria: CeGaT Center For Human Genetics Tuebingen Variant Classification Criteria Version 2. Collection method: clinical testing. Allele origin: germline. Affected: yes. Observed: 6 variant alleles. Not counted in ClinVar's aggregate classification.
Comment: BRCA1: BS1:Supporting, BS3:Supporting, BS2

Labcorp Genetics (formerly Invitae), Labcorp
Classification: Benign for Hereditary breast ovarian cancer syndrome. Last evaluated: 2026-02-04. Review status: criteria provided, single submitter. Criteria: Invitae Variant Classification Sherloc (09022015). Collection method: clinical testing. Allele origin: germline. Not counted in ClinVar's aggregate classification.

Center for Genomic Medicine, Rigshospitalet, Copenhagen University Hospital
Classification: Likely benign. Last evaluated: 2025-03-04. Review status: criteria provided, single submitter. Criteria: ACMG Guidelines, 2015. Collection method: clinical testing. Allele origin: germline. Not counted in ClinVar's aggregate classification.

Laboratory of Genetics, Children's Clinical University Hospital Latvia
Classification: Likely benign. Last evaluated: 2025-02-16. Review status: criteria provided, single submitter. Criteria: ACMG Guidelines, 2015. Collection method: clinical testing. Allele origin: germline. Affected: yes. Not counted in ClinVar's aggregate classification.

ARUP Laboratories, Molecular Genetics and Genomics, ARUP Laboratories
Classification: Benign. Last evaluated: 2024-12-09. Review status: criteria provided, single submitter. Criteria: ARUP Molecular Germline Variant Investigation Process 2024. Collection method: clinical testing. Allele origin: germline. Not counted in ClinVar's aggregate classification.

Blueprint Genetics
Classification: Likely benign. Last evaluated: 2024-11-24. Review status: criteria provided, single submitter. Criteria: ACMG Guidelines, 2015. Collection method: clinical testing. Allele origin: germline. Not counted in ClinVar's aggregate classification.

All of Us Research Program, National Institutes of Health
Classification: Likely benign for BRCA1-related cancer predisposition. Last evaluated: 2024-09-23. Review status: criteria provided, single submitter. Criteria: ACMG Guidelines, 2015. Collection method: clinical testing. Allele origin: germline. Inheritance: Autosomal dominant inheritance. Observed: 106 variant alleles, 106 heterozygotes. Not counted in ClinVar's aggregate classification.
Comment: This study involves interpretation of variants in research participants for the purpose of population health screening. Participant phenotype was not available at the time of variant classification. Additional details can be found in publication PMID: 35346344, PMCID: PMC8962531

Mayo Clinic Laboratories, Mayo Clinic
Classification: Benign. Last evaluated: 2024-04-30. Review status: criteria provided, single submitter. Criteria: ACMG Guidelines, 2015. Collection method: clinical testing. Allele origin: germline. Observed: 4 variant alleles. Not counted in ClinVar's aggregate classification.
Comment: BS1, BS3

Quest Diagnostics Nichols Institute San Juan Capistrano
Classification: Benign. Last evaluated: 2023-07-14. Review status: criteria provided, single submitter. Criteria: Quest Diagnostics criteria. Collection method: clinical testing. Allele origin: unknown. Not counted in ClinVar's aggregate classification.

Laboratory for Molecular Medicine, Mass General Brigham Personalized Medicine
Classification: Likely benign. Last evaluated: 2022-01-31. Review status: criteria provided, single submitter. Criteria: ACMG Guidelines, 2015. Collection method: clinical testing. Allele origin: germline. Not counted in ClinVar's aggregate classification.
Comment: The p.Thr826Lys variant in BRCA1 is classified as likely benign because it has been identified in 0.03% (40/128816) of European chromosomes by gnomAD. This variant was classified as Benign on August 10, 2015 by the ClinGen-approved ENIGMA expert panel (Variation ID 37473). Computational prediction tools and conservation analyses suggest that this variant may not impact the protein, though this information is not predictive enough to rule out pathogenicity. ACMG/AMP Criteria applied: BS1, BP4.

National Health Laboratory Service, Universitas Academic Hospital and University of the Free State
Classification: Likely benign for Hereditary breast ovarian cancer syndrome. Last evaluated: 2021-11-16. Review status: criteria provided, single submitter. Criteria: ACMG Guidelines, 2015. Collection method: clinical testing. Allele origin: germline. Affected: yes. Observed: 1 variant allele. Not counted in ClinVar's aggregate classification.

St. Jude Molecular Pathology, St. Jude Children's Research Hospital
Classification: Likely benign for Hereditary breast ovarian cancer syndrome. Last evaluated: 2021-08-26. Review status: criteria provided, single submitter. Criteria: St. Jude Assertion Criteria 2020. Collection method: clinical testing. Allele origin: germline. Not counted in ClinVar's aggregate classification.
Comment: The BRCA1 c.2477C>A (p.Thr826Lys) missense change has a maximum subpopulation frequency of 0.031% in gnomAD v2.1.1. In silico tools are not in agreement about the effect of this variant on protein function, however in vitro functional studies have shown that this variant results in an activity comparable to the wild type in cell proliferation and cisplatin sensitivity assays (BS3; PMID: 23867111). This variant has been reported in four women older than 70 years of age who have never had cancer (BS2_supporting). In addition, this variant has been reported to co-occur with pathogenic variants in BRCA1 and BRCA2 (BP2; UMD database). In summary, this variant meets criteria to be classified as likely benign based on the ACMG/AMP criteria: BS3, BS2_supporting, BP2.

CHEO Genetics Diagnostic Laboratory, Children's Hospital of Eastern Ontario
Classification: Likely benign for Breast and/or ovarian cancer. Last evaluated: 2021-07-14. Review status: criteria provided, single submitter. Criteria: ACMG Guidelines, 2015. Collection method: clinical testing. Allele origin: germline. Not counted in ClinVar's aggregate classification.

Sema4
Classification: Benign for Hereditary cancer-predisposing syndrome. Last evaluated: 2020-10-30. Review status: criteria provided, single submitter. Criteria: Sema4 Curation Guidelines. Collection method: curation. Allele origin: germline. Not counted in ClinVar's aggregate classification.

Genomic Research Center, Shahid Beheshti University of Medical Sciences
Classification: Benign for Breast-ovarian cancer, familial 1. Last evaluated: 2020-05-03. Review status: criteria provided, single submitter. Criteria: ACMG Guidelines, 2015. Collection method: clinical testing. Allele origin: unknown. Affected: yes. Not counted in ClinVar's aggregate classification.

GeneDx
Classification: Benign. Last evaluated: 2017-07-17. Review status: criteria provided, single submitter. Criteria: GeneDx Variant Classification (06012015). Collection method: clinical testing. Allele origin: germline. Affected: yes. Not counted in ClinVar's aggregate classification.
Comment: This variant is considered likely benign or benign based on one or more of the following criteria: it is a conservative change, it occurs at a poorly conserved position in the protein, it is predicted to be benign by multiple in silico algorithms, and/or has population frequency not consistent with disease.